The following is an entry in ClinVar:

NM_144701.3(IL23R):c.751G>T (p.Val251Phe)

Gene: IL23R (interleukin 23 receptor; plus strand). Cytogenetic location: 1p31.3.
Variant type: single nucleotide variant.
Coding change: c.751G>T on transcript NM_144701.3 (MANE Select); coding-DNA position 751, G replaced by T.
Protein change: p.Val251Phe; replaces valine 251 with phenylalanine.
Molecular consequence: missense variant.
Genome position (GRCh38, 1-based): chr1:67,207,008, G>T. VCF-style: chr1-67207008-G-T. GRCh37 (hg19) VCF-style: chr1-67672691-G-T.
Other names: short protein forms V251F.
Identifiers: ClinVar variation 2108305 (VCV002108305.4), dbSNP rs368389094, ClinGen allele CA340728416.

ClinVar aggregate classification (germline): Uncertain significance (1 of 4 stars; one submission).

gnomAD v4.1: 1 of 1,612,176 alleles (0.000062%); highest among the groups gnomAD compares: Non-Finnish European, 0.000085%; no homozygotes.

Submission:

Labcorp Genetics (formerly Invitae), Labcorp
Classification: Uncertain significance. Last evaluated: 2022-08-02. Review status: criteria provided, single submitter. Criteria: Invitae Variant Classification Sherloc (09022015). Collection method: clinical testing. Allele origin: germline.
Comment: This variant has not been reported in the literature in individuals affected with IL23R-related conditions. In summary, the available evidence is currently insufficient to determine the role of this variant in disease. Therefore, it has been classified as a Variant of Uncertain Significance. Algorithms developed to predict the effect of missense changes on protein structure and function are either unavailable or do not agree on the potential impact of this missense change (SIFT: "Tolerated"; PolyPhen-2: "Possibly Damaging"; Align-GVGD: "Class C0"). This variant is not present in population databases (gnomAD no frequency). This sequence change replaces valine, which is neutral and non-polar, with phenylalanine, which is neutral and non-polar, at codon 251 of the IL23R protein (p.Val251Phe).